The following is an entry in ClinVar:

NM_004415.4(DSP):c.7787_7793del (p.Ile2596fs)

Gene: DSP (desmoplakin; plus strand). Cytogenetic location: 6p24.3.
Variant type: Deletion.
Coding change: c.7787_7793del on transcript NM_004415.4 (MANE Select); coding-DNA positions 7787 to 7793, 7 bases deleted (TATCCAG; older notation c.7787_7793delTATCCAG).
Protein change: p.Ile2596fs; shifts the reading frame from isoleucine 2596.
Molecular consequence: frameshift variant.
Genome position (GRCh38, 1-based): chr6:7,585,049-7,585,055, TATCCAG deleted. VCF-style (leftmost placement, unchanged base first): chr6-7585048-ATATCCAG-A. GRCh37 (hg19) VCF-style: chr6-7585281-ATATCCAG-A.
Other names: c.7787_7793del (NM_004415.2); c.6458_6464del, p.Ile2153fs (NM_001319034.2); c.7787_7793delTATCCAG, p.Ile2596Thrfs (NM_004415.2); c.5990_5996del, p.Ile1997fs (NM_001008844.3); short protein forms I1997fs, I2153fs, I2596fs.
Identifiers: ClinVar variation 3386724 (VCV003386724.2).

ClinVar aggregate classification (germline): Likely pathogenic. Review status: criteria provided, multiple submitters, no conflicts (2 of 4 stars). 2 submissions from 2 submitters: Likely pathogenic (2). Last evaluated 2026-02-02.

Conditions:
Arrhythmogenic cardiomyopathy with wooly hair and keratoderma. Also called: PALMOPLANTAR KERATODERMA WITH LEFT VENTRICULAR CARDIOMYOPATHY AND WOOLLY HAIR; Carvajal syndrome; Arrhythmogenic cardiomyopathy with woolly hair and keratoderma; Dilated cardiomyopathy with woolly hair and keratoderma. Identifiers: Orphanet 65282, MedGen C1854063, MONDO:0011581, OMIM 605676.

Submissions (2):

GeneDx
Classification: Likely pathogenic. Last evaluated: 2026-02-02. Review status: criteria provided, single submitter. Criteria: GeneDx Variant Classification Process June 2021. Collection method: clinical testing. Allele origin: germline.
Comment: Frameshift variant predicted to result in protein truncation in a gene for which loss of function is a known mechanism of disease; Not observed at significant frequency in large population cohorts (gnomAD); Has not been previously published as pathogenic or benign to our knowledge

All of Us Research Program, National Institutes of Health
Classification: Likely pathogenic for Arrhythmogenic cardiomyopathy with wooly hair and keratoderma. Last evaluated: 2024-09-06. Review status: criteria provided, single submitter. Criteria: ACMG Guidelines, 2015. Collection method: clinical testing. Allele origin: germline. Inheritance: Autosomal dominant inheritance. Observed: 1 variant allele, 1 heterozygote.
Comment: The c.7787_7793del (p.Ile2596Thrfs*5) variant in DSP gene is a 7bp deletion located in the last exon (exon 24) and is predicted to result in frameshift and premature termination codon. This variant is likely to escape nonsense mediated mRNA decay (NMD) and result in a truncated protein. This variant is expected to disrupt the linker region between the C-terminal plakin repeat domains B and C and the downstream C-terminal sequence, which have been reported to be essential for interaction with intermediate filaments (PMID: 12101406, 12802069, 21756917). To our knowledge, this variant has not been reported in individuals affected with DSP-related disorders, and functional studies are not available. Other DSP frameshift variants c.7773_7776del (p.Ser2591fs) and c.8077_8080del (p.Lys2693fs), at the C-terminal region upstream and downstream of the variant of interest were classified as LP/P in ClinVar (Variation ID: 923199 and 246676). This variant is absent in the general population (gnomAD). Therefore, the c.7787_7793del (p.Ile2596Thrfs*5) variant of DSP is classified as likely pathogenic.

This study involves interpretation of variants in research participants for the purpose of population health screening. Participant phenotype was not available at the time of variant classification. Additional details can be found in publication PMID: 35346344, PMCID: PMC8962531

Literature cited by the submitters: PubMed 12101406 (cited by All of Us Research Program, National Institutes of Health); PubMed 12802069 (cited by All of Us Research Program, National Institutes of Health); PubMed 21756917 (cited by All of Us Research Program, National Institutes of Health).